The following is an entry in ClinVar:

NM_001375524.1(TRRAP):c.6343G>A (p.Val2115Ile)

Gene: TRRAP (transformation/transcription domain associated protein; plus strand). Cytogenetic location: 7q22.1.
Variant type: single nucleotide variant.
Coding change: c.6343G>A on transcript NM_001375524.1 (MANE Select); coding-DNA position 6343, G replaced by A.
Protein change: p.Val2115Ile; replaces valine 2115 with isoleucine.
Molecular consequence: missense variant.
Genome position (GRCh38, 1-based): chr7:98,959,344, G>A. VCF-style: chr7-98959344-G-A. GRCh37 (hg19) VCF-style: chr7-98556967-G-A.
Other names: c.6322G>A, p.Val2108Ile (NM_001244580.2); c.6268G>A, p.Val2090Ile (NM_003496.4); short protein forms V2090I, V2108I, V2115I.
Identifiers: ClinVar variation 3614174 (VCV003614174.2).
Genomic context (GRCh38, chr7:98,959,344, plus strand): 5'-TGGAATGACTGTAAACTCGGATGCAGTGAAATGCCGGCTGTAACTCGGATGAATTCCTAG[G>A]TTAATGACAACACCAACACAGCGGGGTCCCCTGGGGAGGTGCTCTCTCGCCGGTGTGTGA-3'
Protein context (NP_001362453.1, residues 2105-2125): VNFLIRVACQ[Val2115Ile]NDNTNTAGSP

ClinVar aggregate classification (germline): Uncertain significance (1 of 4 stars; one submission).

gnomAD v4.1: 1 of 1,613,396 alleles (0.000062%); highest among the groups gnomAD compares: Admixed American, 0.0017%; no homozygotes.

Submission:

Labcorp Genetics (formerly Invitae), Labcorp
Classification: Uncertain significance. Last evaluated: 2024-08-31. Review status: criteria provided, single submitter. Criteria: Invitae Variant Classification Sherloc (09022015). Collection method: clinical testing. Allele origin: germline.
Comment: This sequence change replaces valine, which is neutral and non-polar, with isoleucine, which is neutral and non-polar, at codon 2090 of the TRRAP protein (p.Val2090Ile). This variant is not present in population databases (gnomAD no frequency). This variant has not been reported in the literature in individuals affected with TRRAP-related conditions. An algorithm developed to predict the effect of missense changes on protein structure and function (PolyPhen-2) suggests that this variant is likely to be tolerated. Algorithms developed to predict the effect of sequence changes on RNA splicing suggest that this variant may disrupt the consensus splice site. In summary, the available evidence is currently insufficient to determine the role of this variant in disease. Therefore, it has been classified as a Variant of Uncertain Significance.